The following is an entry in ClinVar:

ClinVar aggregate classification (germline): Benign. Review status: criteria provided, multiple submitters, no conflicts (2 of 4 stars). 2 submissions from 2 submitters: Benign (2). Last evaluated 2016-03-29.

Allele frequency attached by ClinVar (database versions not stated): 1000 Genomes Project 30x 0.66177; gnomAD exomes 0.74028 and 0.69978; 1000 Genomes Project 0.67672; gnomAD 0.57687; ExAC 0.67274.

Submissions (2):

Laboratory for Molecular Medicine, Mass General Brigham Personalized Medicine
Classification: Benign. Last evaluated: 2016-03-29. Review status: criteria provided, single submitter. Criteria: LMM Criteria. Collection method: clinical testing. Allele origin: germline.
Comment: Variant identified in a genome or exome case(s) and assessed due to predicted null impact of the variant or pathogenic assertions in the literature or databases. Disclaimer: This variant has not undergone full assessment. The following are preliminary notes: Frequency

Breakthrough Genomics
Classification: Benign. Review status: criteria provided, single submitter. Criteria: ACMG Guidelines, 2015. Collection method: not provided. Allele origin: germline. Inheritance: Unknown mechanism. Affected: yes.

NM_014834.4(LRRC37A):c.2211A>G (p.Pro737=)

Genes: ARL17B (ARF like GTPase 17B; minus strand), LRRC37A (leucine rich repeat containing 37A). Cytogenetic location: 17q21.31.
Variant type: single nucleotide variant.
Coding change: c.2211A>G on transcript NM_014834.4 (MANE Select); coding-DNA position 2211, A replaced by G.
Protein change: p.Pro737=; no amino-acid change (proline 737 retained).
Molecular consequence: synonymous variant. On other transcripts: intron variant (2).
Genome position (GRCh38, 1-based): chr17:46,297,344, A>G. VCF-style: chr17-46297344-A-G. GRCh37 (hg19) VCF-style: chr17-44374710-A-G.
Other names: c.*21+2182T>C (NM_001103154.2, NM_001352769.1).
Identifiers: ClinVar variation 403059 (VCV000403059.6), dbSNP rs62073222, ClinGen allele CA8619174.